The following is an entry in ClinVar:

NM_001283009.2(RTEL1):c.3648G>T (p.Glu1216Asp)

Genes: RTEL1 (regulator of telomere elongation helicase 1; plus strand), RTEL1-TNFRSF6B (RTEL1-TNFRSF6B readthrough (NMD candidate); plus strand). Cytogenetic location: 20q13.33.
Variant type: single nucleotide variant.
Coding change: c.3648G>T on transcript NM_001283009.2 (MANE Select); coding-DNA position 3648, G replaced by T.
Protein change: p.Glu1216Asp; replaces glutamic acid 1216 with aspartic acid.
Molecular consequence: missense variant. On other transcripts: non-coding transcript variant (1).
Genome position (GRCh38, 1-based): chr20:63,695,476, G>T. VCF-style: chr20-63695476-G-T. GRCh37 (hg19) VCF-style: chr20-62326829-G-T.
Other names: c.2979G>T, p.Glu993Asp (NM_001283010.1); c.3648G>T, p.Glu1216Asp (NM_016434.4); c.3720G>T, p.Glu1240Asp (NM_032957.5); short protein forms E1240D, E1216D, E993D.
Identifiers: ClinVar variation 3436053 (VCV003436053.1).

ClinVar aggregate classification (germline): Uncertain significance (1 of 4 stars; one submission).

Conditions:
Inborn genetic diseases. Identifiers: MedGen C0950123, MeSH D030342.

gnomAD v4.1: 1 of 1,605,634 alleles (0.000062%); highest among the groups gnomAD compares: Middle Eastern, 0.017%; no homozygotes.

Submission:

Ambry Genetics
Classification: Uncertain significance for Inborn genetic diseases. Last evaluated: 2024-12-09. Review status: criteria provided, single submitter. Criteria: Ambry Variant Classification Scheme 2023. Collection method: clinical testing. Allele origin: germline.
Comment: The p.E1216D variant (also known as c.3648G>T), located in coding exon 33 of the RTEL1 gene, results from a G to T substitution at nucleotide position 3648. The glutamic acid at codon 1216 is replaced by aspartic acid, an amino acid with highly similar properties. This amino acid position is conserved. In addition, this alteration is predicted to be tolerated by in silico analysis. Based on the available evidence, the clinical significance of this variant remains unclear.